The following is an entry in ClinVar:

NM_033380.3(COL4A5):c.1768A>G (p.Lys590Glu)

Gene: COL4A5 (collagen type IV alpha 5 chain; plus strand). Cytogenetic location: Xq22.3.
Variant type: single nucleotide variant.
Coding change: c.1768A>G on transcript NM_033380.3 (MANE Select); coding-DNA position 1768, A replaced by G.
Protein change: p.Lys590Glu; replaces lysine 590 with glutamic acid.
Molecular consequence: missense variant.
Genome position (GRCh38, 1-based): chrX:108,597,557, A>G. VCF-style: chrX-108597557-A-G. GRCh37 (hg19) VCF-style: chrX-107840787-A-G.
Other names: c.1768A>G, p.Lys590Glu (NM_000495.5); short protein forms K590E.
Identifiers: ClinVar variation 1329622 (VCV001329622.7), dbSNP rs368137679, ClinGen allele CA10488788.
Genomic context (GRCh38, chrX:108,597,557, plus strand): 5'-GGGCTTCCTGGTTTACCTGGCACTCCTGGACAGGATGGATTGCCAGGGCTTCCTGGCCCG[A>G]AAGGAGAGCCTGTGAGTTGGTTTGATATTTTTGGTTTTGTGATGTTAAATTTTCACTTAG-3'
Protein context (NP_203699.1, residues 580-600): QDGLPGLPGP[Lys590Glu]GEPGGITFKG

ClinVar aggregate classification (germline): Uncertain significance. Review status: criteria provided, multiple submitters, no conflicts (2 of 4 stars). 3 submissions from 3 submitters: Uncertain significance (3). Last evaluated 2022-04-12.

Conditions:
X-linked Alport syndrome (ATS1). Also called: NEPHROPATHY AND DEAFNESS, X-LINKED; COL4A5-Related Nephropathy. Identifiers: Orphanet 63, Orphanet 88917, MedGen C4746986, MONDO:0010520, OMIM 301050.

Allele frequency attached by ClinVar (database versions not stated): ExAC 0.00001; gnomAD exomes 0.00002 and 0.00004; TOPMed 0.00006; gnomAD 0.00007 and 0.00008; ESP Exome Variant Server 0.00019.
gnomAD v4.1: 54 of 1,206,972 alleles (0.0045%); highest among the groups gnomAD compares: African/African-American, 0.011%; no homozygotes.

Submissions (3):

Fulgent Genetics
Classification: Uncertain significance for X-linked Alport syndrome. Last evaluated: 2022-04-12. Review status: criteria provided, single submitter. Criteria: ACMG Guidelines, 2015. Collection method: clinical testing. Allele origin: unknown.

Labcorp Genetics (formerly Invitae), Labcorp
Classification: Uncertain significance. Last evaluated: 2021-09-01. Review status: criteria provided, single submitter. Criteria: Invitae Variant Classification Sherloc (09022015). Collection method: clinical testing. Allele origin: germline.
Comment: This sequence change replaces lysine with glutamic acid at codon 590 of the COL4A5 protein (p.Lys590Glu). The lysine residue is highly conserved and there is a small physicochemical difference between lysine and glutamic acid. This variant is present in population databases (rs368137679, ExAC 0.002%), including at least one homozygous and/or hemizygous individual. This variant has not been reported in the literature in individuals affected with COL4A5-related conditions. Experimental studies and prediction algorithms are not available or were not evaluated, and the functional significance of this variant is currently unknown. In summary, the available evidence is currently insufficient to determine the role of this variant in disease. Therefore, it has been classified as a Variant of Uncertain Significance.

GeneDx
Classification: Uncertain significance. Last evaluated: 2021-06-24. Review status: criteria provided, single submitter. Criteria: GeneDx Variant Classification Process June 2021. Collection method: clinical testing. Allele origin: germline. Affected: yes.
Comment: Occurs in the triple helical domain at the Y position in the canonical Gly-X-Y repeat; although this variant may have an effect on normal protein folding and function, missense substitution at the Y position is not a common mechanism of disease; In silico analysis supports that this missense variant has a deleterious effect on protein structure/function; Has not been previously published as pathogenic or benign to our knowledge; This variant is associated with the following publications: (PMID: 27535533)